The following is an entry in ClinVar:

NM_020442.6(VARS2):c.1466C>A (p.Ala489Asp)

Gene: VARS2 (valyl-tRNA synthetase 2, mitochondrial; plus strand). Cytogenetic location: 6p21.33.
Variant type: single nucleotide variant.
Coding change: c.1466C>A on transcript NM_020442.6 (MANE Select); coding-DNA position 1466, C replaced by A.
Protein change: p.Ala489Asp; replaces alanine 489 with aspartic acid.
Molecular consequence: missense variant.
Genome position (GRCh38, 1-based): chr6:30,920,736, C>A. VCF-style: chr6-30920736-C-A. GRCh37 (hg19) VCF-style: chr6-30888513-C-A.
Other names: c.1046C>A, p.Ala349Asp (NM_001167733.3); c.1556C>A, p.Ala519Asp (NM_001167734.2); short protein forms A349D, A519D, A489D.
Identifiers: ClinVar variation 2096888 (VCV002096888.4), dbSNP rs1258779173, ClinGen allele CA363173319.

ClinVar aggregate classification (germline): Uncertain significance (1 of 4 stars; one submission).

Submission:

Labcorp Genetics (formerly Invitae), Labcorp
Classification: Uncertain significance. Last evaluated: 2025-07-07. Review status: criteria provided, single submitter. Criteria: Invitae Variant Classification Sherloc (09022015). Collection method: clinical testing. Allele origin: germline.
Comment: This sequence change replaces alanine, which is neutral and non-polar, with aspartic acid, which is acidic and polar, at codon 519 of the VARS2 protein (p.Ala519Asp). This variant is not present in population databases (gnomAD no frequency). This variant has not been reported in the literature in individuals affected with VARS2-related conditions. ClinVar contains an entry for this variant (Variation ID: 2096888). Invitae Evidence Modeling of protein sequence and biophysical properties (such as structural, functional, and spatial information, amino acid conservation, physicochemical variation, residue mobility, and thermodynamic stability) indicates that this missense variant is not expected to disrupt VARS2 protein function with a negative predictive value of 80%. In summary, the available evidence is currently insufficient to determine the role of this variant in disease. Therefore, it has been classified as a Variant of Uncertain Significance.